The following is an entry in ClinVar:

NM_001793.6(CDH3):c.2281A>G (p.Asn761Asp)

Gene: CDH3 (cadherin 3; plus strand). Cytogenetic location: 16q22.1.
Variant type: single nucleotide variant.
Coding change: c.2281A>G on transcript NM_001793.6 (MANE Select); coding-DNA position 2281, A replaced by G.
Protein change: p.Asn761Asp; replaces asparagine 761 with aspartic acid.
Molecular consequence: missense variant. On other transcripts: 3 prime UTR variant (1).
Genome position (GRCh38, 1-based): chr16:68,698,191, A>G. VCF-style: chr16-68698191-A-G. GRCh37 (hg19) VCF-style: chr16-68732094-A-G.
Other names: c.*24A>G (NM_001317195.3); c.2116A>G, p.Asn706Asp (NM_001317196.2); short protein forms N761D, N706D.
Identifiers: ClinVar variation 1519207 (VCV001519207.6), dbSNP rs2152107922, ClinGen allele CA396456626.
Genomic context (GRCh38, chr16:68,698,191, plus strand): 5'-CTTGCAGCTGGCAAGAGGCAGGACCCGCCGCTCCTAACTACCTGTTCTCTGTTGCCGCAG[A>G]ACCTGAAGGCGGCTAACACAGACCCCACAGCCCCGCCCTACGACACCCTCTTGGTGTTCG-3'
Protein context (NP_001784.2, residues 751-771): PDEIGNFIIE[Asn761Asp]LKAANTDPTA

ClinVar aggregate classification (germline): Uncertain significance (1 of 4 stars; one submission).

Submission:

Labcorp Genetics (formerly Invitae), Labcorp
Classification: Uncertain significance. Last evaluated: 2024-04-22. Review status: criteria provided, single submitter. Criteria: Invitae Variant Classification Sherloc (09022015). Collection method: clinical testing. Allele origin: germline.
Comment: This sequence change replaces asparagine with aspartic acid at codon 761 of the CDH3 protein (p.Asn761Asp). The asparagine residue is highly conserved and there is a small physicochemical difference between asparagine and aspartic acid. This variant is not present in population databases (gnomAD no frequency). This variant has not been reported in the literature in individuals affected with CDH3-related conditions. ClinVar contains an entry for this variant (Variation ID: 1519207). An algorithm developed to predict the effect of missense changes on protein structure and function (PolyPhen-2) suggests that this variant is likely to be disruptive. Experimental studies and prediction algorithms are not available or were not evaluated, and the effect of this variant on mRNA splicing is currently unknown. In summary, the available evidence is currently insufficient to determine the role of this variant in disease. Therefore, it has been classified as a Variant of Uncertain Significance.